The following is an entry in ClinVar:

ClinVar aggregate classification (germline): Likely benign (1 of 4 stars; one submission).

gnomAD v4.1: 1,593 of 1,595,074 alleles (0.1%); highest among the groups gnomAD compares: Non-Finnish European, 0.12%; no homozygotes.

Submission:

CeGaT Center for Human Genetics Tuebingen
Classification: Likely benign. Last evaluated: 2025-08-01. Review status: criteria provided, single submitter. Criteria: CeGaT Center For Human Genetics Tuebingen Variant Classification Criteria Version 2. Collection method: clinical testing. Allele origin: germline. Affected: yes. Observed: 1 variant allele.
Comment: ARHGAP45: BP4, BP7

NM_012292.5(ARHGAP45):c.2595C>T (p.Ala865=)

Gene: ARHGAP45 (Rho GTPase activating protein 45; plus strand). Cytogenetic location: 19p13.3.
Variant type: single nucleotide variant.
Coding change: c.2595C>T on transcript NM_012292.5 (MANE Select); coding-DNA position 2595, C replaced by T.
Protein change: p.Ala865=; no amino-acid change (alanine 865 retained).
Molecular consequence: synonymous variant.
Genome position (GRCh38, 1-based): chr19:1,082,917, C>T. VCF-style: chr19-1082917-C-T. GRCh37 (hg19) VCF-style: chr19-1082916-C-T.
Other names: c.2643C>T, p.Ala881= (NM_001258328.4); c.1500C>T, p.Ala500= (NM_001282334.2); c.2244C>T, p.Ala748= (NM_001282335.3); c.2607C>T, p.Ala869= (NM_001321232.2).
Identifiers: ClinVar variation 4083831 (VCV004083831.8).